The following is an entry in ClinVar:

ClinVar aggregate classification (germline): Conflicting classifications of pathogenicity. Review status: criteria provided, conflicting classifications (1 of 4 stars). 2 submissions from 2 submitters: Uncertain significance (1); Likely benign (1). Last evaluated 2025-03-08.

Conditions:
Hereditary cancer-predisposing syndrome. Also called: Hereditary neoplastic syndrome; Hereditary Cancer Syndrome; Neoplastic Syndromes, Hereditary; Tumor predisposition. Identifiers: Orphanet 140162, MedGen C0027672, MeSH D009386, MONDO:0015356.
Peutz-Jeghers syndrome (PJS). Also called: Peutz-Jeghers polyposis; Periorificial lentiginosis syndrome; POLYPOSIS, HAMARTOMATOUS INTESTINAL; POLYPS-AND-SPOTS SYNDROME. Identifiers: Orphanet 2869, MedGen C0031269, MeSH D010580, MONDO:0008280, OMIM 175200.

Submissions (2):

Ambry Genetics
Classification: Likely benign for Hereditary cancer-predisposing syndrome. Last evaluated: 2025-03-08. Review status: criteria provided, single submitter. Criteria: Ambry Variant Classification Scheme 2023. Collection method: clinical testing. Allele origin: germline.

Labcorp Genetics (formerly Invitae), Labcorp
Classification: Uncertain significance for Peutz-Jeghers syndrome. Last evaluated: 2023-01-06. Review status: criteria provided, single submitter. Criteria: Invitae Variant Classification Sherloc (09022015). Collection method: clinical testing. Allele origin: germline.
Comment: In summary, the available evidence is currently insufficient to determine the role of this variant in disease. Therefore, it has been classified as a Variant of Uncertain Significance. Algorithms developed to predict the effect of missense changes on protein structure and function are either unavailable or do not agree on the potential impact of this missense change (SIFT: "Not Available"; PolyPhen-2: "Benign"; Align-GVGD: "Not Available"). This variant has not been reported in the literature in individuals affected with STK11-related conditions. Information on the frequency of this variant in the gnomAD database is not available, as this variant may be reported differently in the database. This sequence change replaces alanine, which is neutral and non-polar, with leucine, which is neutral and non-polar, at codon 397 of the STK11 protein (p.Ala397Leu).

NM_000455.5(STK11):c.1189_1190delinsTT (p.Ala397Leu)

Gene: STK11 (serine/threonine kinase 11; plus strand). Cytogenetic location: 19p13.3.
Variant type: Indel.
Coding change: c.1189_1190delinsTT on transcript NM_000455.5 (MANE Select); coding-DNA positions 1189 to 1190, GC replaced by TT.
Protein change: p.Ala397Leu; replaces alanine 397 with leucine.
Molecular consequence: missense variant. On other transcripts: non-coding transcript variant (1).
Genome position (GRCh38, 1-based): chr19:1,226,534-1,226,535, GC replaced by TT. VCF-style: chr19-1226534-GC-TT. GRCh37 (hg19) VCF-style: chr19-1226533-GC-TT.
Other names: short protein forms A397L.
Identifiers: ClinVar variation 2739269 (VCV002739269.4), dbSNP rs2512954977, ClinGen allele CA2697555610.